The following is an entry in ClinVar:

NM_002617.4(PEX10):c.291A>G (p.Thr97=)

Gene: PEX10 (peroxisomal biogenesis factor 10; minus strand). Cytogenetic location: 1p36.32.
Variant type: single nucleotide variant.
Coding change: c.291A>G on transcript NM_002617.4 (MANE Select); coding-DNA position 291, A replaced by G.
Protein change: p.Thr97=; no amino-acid change (threonine 97 retained).
Molecular consequence: synonymous variant. On other transcripts: 5 prime UTR variant (2), non-coding transcript variant (1).
Genome position (GRCh38, 1-based): chr1:2,408,761, T>C on the plus strand (A>G on the coding strand, the complement: PEX10 is on the minus strand). VCF-style: chr1-2408761-T-C. GRCh37 (hg19) VCF-style: chr1-2340200-T-C.
Other names: c.291A>G, p.Thr97= (NM_001374425.1, NM_153818.2); c.-142A>G (NM_001374426.1, NM_001374427.1).
Identifiers: ClinVar variation 129884 (VCV000129884.27), dbSNP rs2494598, ClinGen allele CA154233.

ClinVar aggregate classification (germline): Benign. Review status: criteria provided, multiple submitters, no conflicts (2 of 4 stars). 11 submissions from 10 submitters: Benign (8). 3 of the submissions do not count toward it. Last evaluated 2026-02-04.

Conditions:
Zellweger spectrum disorders (ZS). Also called: Zellweger Spectrum Disorder; Zellweger Spectrum; Zellweger Spectrum Disorder (ZSD); Zellweger syndrome. Identifiers: Orphanet 912, MedGen C0043459, MONDO:0019609.
Peroxisome biogenesis disorder, complementation group 7 (CG7). Also called: Peroxisome biogenesis disorder, complementation group B. Identifiers: MedGen C1864399.
Peroxisome biogenesis disorder 6A (Zellweger). Also called: Peroxisome biogenesis disorder 6A. Identifiers: Orphanet 912, MedGen C3553947, MONDO:0013936, OMIM 614870.
Peroxisome biogenesis disorder 6B (PBD6B). Identifiers: Orphanet 44, MedGen C3553948, MONDO:0013937, OMIM 614871.

Allele frequency attached by ClinVar (database versions not stated): gnomAD 0.74218 and 0.74152; ESP Exome Variant Server 0.74381; 1000 Genomes Project 0.69888; 1000 Genomes Project 30x 0.69925; TOPMed 0.73461.
gnomAD v4.1: 1,284,167 of 1,613,626 alleles (80%); highest among the groups gnomAD compares: Non-Finnish European, 82%; 513,637 homozygotes.

Submissions (11):

Labcorp Genetics (formerly Invitae), Labcorp
Classification: Benign for Peroxisome biogenesis disorder, complementation group 7. Last evaluated: 2026-02-04. Review status: criteria provided, single submitter. Criteria: Invitae Variant Classification Sherloc (09022015). Collection method: clinical testing. Allele origin: germline.

Genome-Nilou Lab
Classification: Benign for Peroxisome biogenesis disorder 6A (Zellweger). Last evaluated: 2021-07-08. Review status: criteria provided, single submitter. Criteria: ACMG Guidelines, 2015. Collection method: clinical testing. Allele origin: germline. Affected: no.

Genome-Nilou Lab
Classification: Benign for Peroxisome biogenesis disorder 6B. Last evaluated: 2021-07-08. Review status: criteria provided, single submitter. Criteria: ACMG Guidelines, 2015. Collection method: clinical testing. Allele origin: germline. Affected: no.

GeneDx
Classification: Benign. Last evaluated: 2018-06-13. Review status: criteria provided, single submitter. Criteria: GeneDx Variant Classification (06012015). Collection method: clinical testing. Allele origin: germline. Affected: yes.
Comment: This variant is considered likely benign or benign based on one or more of the following criteria: it is a conservative change, it occurs at a poorly conserved position in the protein, it is predicted to be benign by multiple in silico algorithms, and/or has population frequency not consistent with disease.

Illumina Laboratory Services, Illumina
Classification: Benign for Peroxisome biogenesis disorder 6A (Zellweger). Last evaluated: 2018-01-13. Review status: criteria provided, single submitter. Criteria: ICSL Variant Classification Criteria 13 December 2019. Collection method: clinical testing. Allele origin: germline.
Comment: This variant was observed in the ICSL laboratory as part of a predisposition screen in an ostensibly healthy population. It had not been previously curated by ICSL or reported in the Human Gene Mutation Database (HGMD: prior to June 1st, 2018), and was therefore a candidate for classification through an automated scoring system. Utilizing variant allele frequency, disease prevalence and penetrance estimates, and inheritance mode, an automated score was calculated to assess if this variant is too frequent to cause the disease. Based on the score and internal cut-off values, a variant classified as benign is not then subjected to further curation. The score for this variant resulted in a classification of benign for this disease.

Women's Health and Genetics/Laboratory Corporation of America, LabCorp
Classification: Benign. Last evaluated: 2017-10-09. Review status: criteria provided, single submitter. Criteria: LabCorp Variant Classification Summary - May 2015. Collection method: clinical testing. Allele origin: germline.
Comment: Variant summary: The PEX10 c.291A>G (p.Thr97Thr) variant involves the alteration of a non-conserved nucleotide, resulting in a synonymous change located in the Pex, N-terminal domain(IPR006845) (InterPro). One in silico tool predicts a benign outcome for this variant. 4/5 splice prediction tools predict no significant impact on normal splicing. ESE finder predicts that this variant may affect ESE sites. However, these predictions have yet to be confirmed by functional studies. This variant was found in 212895/276368 control chromosomes (82611 homozygotes) (gnomAD) at a frequency of 0.7703316, indicating this variant is the major allele. In addition, multiple clinical diagnostic laboratories/reputable databases classified this variant as benign/likely benign. Taken together, this variant is classified as benign.

Breakthrough Genomics
Classification: Benign. Review status: criteria provided, single submitter. Criteria: ACMG Guidelines, 2015. Collection method: not provided. Allele origin: germline. Inheritance: Autosomal recessive inheritance. Affected: yes.

PreventionGenetics, part of Exact Sciences
Classification: Benign. Review status: criteria provided, single submitter. Criteria: ACMG Guidelines, 2015. Collection method: clinical testing. Allele origin: germline.

Natera, Inc.
Classification: Benign for Zellweger syndrome. Last evaluated: 2020-09-16. Review status: no assertion criteria provided. Collection method: clinical testing. Allele origin: germline. Not counted in ClinVar's aggregate classification.

Mayo Clinic Laboratories, Mayo Clinic
Classification: Benign. Last evaluated: 2015-10-21. Review status: no assertion criteria provided. Collection method: clinical testing. Allele origin: unknown. Not counted in ClinVar's aggregate classification.

Genetic Services Laboratory, University of Chicago
Classification: Likely benign for AllHighlyPenetrant. Review status: no assertion criteria provided. Collection method: clinical testing. Allele origin: germline. Inheritance: Autosomal recessive inheritance. Not counted in ClinVar's aggregate classification.
Comment: Likely benign based on allele frequency in 1000 Genomes Project or ESP global frequency and its presence in a patient with a rare or unrelated disease phenotype. NOT Sanger confirmed.

Literature cited by the submitters: PubMed 15542397 (cited by Women's Health and Genetics/Laboratory Corporation of America, LabCorp).